The following is an entry in ClinVar:

NM_000530.8(MPZ):c.350T>C (p.Leu117Pro)

Gene: MPZ (myelin protein zero; minus strand). Cytogenetic location: 1q23.3.
Variant type: single nucleotide variant.
Coding change: c.350T>C on transcript NM_000530.8 (MANE Select); coding-DNA position 350, T replaced by C.
Protein change: p.Leu117Pro; replaces leucine 117 with proline.
Molecular consequence: missense variant.
Genome position (GRCh38, 1-based): chr1:161,306,806, A>G on the plus strand (T>C on the coding strand, the complement: MPZ is on the minus strand). VCF-style: chr1-161306806-A-G. GRCh37 (hg19) VCF-style: chr1-161276596-A-G.
Other names: c.350T>C, p.Leu117Pro (NM_001315491.2); short protein forms L117P.
Identifiers: ClinVar variation 1463525 (VCV001463525.8), dbSNP rs2102258946, ClinGen allele CA343349198.

ClinVar aggregate classification (germline): Uncertain significance (1 of 4 stars; one submission).

Conditions:
Charcot-Marie-Tooth disease, type I (CMT1). Also called: Charcot-Marie-Tooth, Type 1; Charcot-Marie-Tooth disease type 1. Identifiers: Orphanet 65753, MedGen C0751036, MONDO:0019011.

Submission:

Labcorp Genetics (formerly Invitae), Labcorp
Classification: Uncertain significance for Charcot-Marie-Tooth disease, type I. Last evaluated: 2023-11-22. Review status: criteria provided, single submitter. Criteria: Invitae Variant Classification Sherloc (09022015). Collection method: clinical testing. Allele origin: germline.
Comment: This sequence change replaces leucine, which is neutral and non-polar, with proline, which is neutral and non-polar, at codon 117 of the MPZ protein (p.Leu117Pro). This variant is not present in population databases (gnomAD no frequency). This variant has not been reported in the literature in individuals affected with MPZ-related conditions. ClinVar contains an entry for this variant (Variation ID: 1463525). Advanced modeling of protein sequence and biophysical properties (such as structural, functional, and spatial information, amino acid conservation, physicochemical variation, residue mobility, and thermodynamic stability) has been performed at Invitae for this missense variant, however the output from this modeling did not meet the statistical confidence thresholds required to predict the impact of this variant on MPZ protein function. In summary, the available evidence is currently insufficient to determine the role of this variant in disease. Therefore, it has been classified as a Variant of Uncertain Significance.